The following is an entry in ClinVar:

NM_001232.4(CASQ2):c.333A>G (p.Glu111=)

Gene: CASQ2 (calsequestrin 2; minus strand). Cytogenetic location: 1p13.1.
Variant type: single nucleotide variant.
Coding change: c.333A>G on transcript NM_001232.4 (MANE Select); coding-DNA position 333, A replaced by G.
Protein change: p.Glu111=; no amino-acid change (glutamic acid 111 retained).
Molecular consequence: synonymous variant.
Genome position (GRCh38, 1-based): chr1:115,740,815, T>C on the plus strand (A>G on the coding strand, the complement: CASQ2 is on the minus strand). VCF-style: chr1-115740815-T-C. GRCh37 (hg19) VCF-style: chr1-116283436-T-C.
Identifiers: ClinVar variation 162821 (VCV000162821.13), dbSNP rs727502910, ClinGen allele CA175378.

ClinVar aggregate classification (germline): Likely benign. Review status: criteria provided, multiple submitters, no conflicts (2 of 4 stars). 3 submissions from 3 submitters: Likely benign (3). Last evaluated 2025-03-04.

Conditions:
Catecholaminergic polymorphic ventricular tachycardia 2. Also called: CASQ2-Related Catecholaminergic Polymorphic Ventricular Tachycardia; VENTRICULAR TACHYCARDIA, STRESS-INDUCED POLYMORPHIC 2. Identifiers: Orphanet 3286, MedGen C2677794, MONDO:0012762, OMIM 611938.
Catecholaminergic polymorphic ventricular tachycardia 1. Also called: RYR2-Related Catecholaminergic Polymorphic Ventricular Tachycardia; VENTRICULAR TACHYCARDIA, STRESS-INDUCED POLYMORPHIC 1; VENTRICULAR TACHYCARDIA, CATECHOLAMINERGIC POLYMORPHIC, 1, WITH OR WITHOUT ATRIAL DYSFUNCTION AND/OR DILATED CARDIOMYOPATHY. Identifiers: Orphanet 3286, MedGen C1631597, MONDO:0011484, OMIM 604772.

Allele frequency attached by ClinVar (database versions not stated): gnomAD 0.00001; TOPMed 0.00001.
gnomAD v4.1: 1 of 1,611,004 alleles (0.000062%); highest among the groups gnomAD compares: African/African-American, 0.0013%; no homozygotes.

Submissions (3):

Labcorp Genetics (formerly Invitae), Labcorp
Classification: Likely benign for Catecholaminergic polymorphic ventricular tachycardia 1. Last evaluated: 2025-03-04. Review status: criteria provided, single submitter. Criteria: Invitae Variant Classification Sherloc (09022015). Collection method: clinical testing. Allele origin: germline.

Genome-Nilou Lab
Classification: Likely benign for Catecholaminergic polymorphic ventricular tachycardia 2. Last evaluated: 2023-04-11. Review status: criteria provided, single submitter. Criteria: ACMG Guidelines, 2015. Collection method: clinical testing. Allele origin: germline. Affected: no.

Laboratory for Molecular Medicine, Mass General Brigham Personalized Medicine
Classification: Likely benign. Last evaluated: 2014-07-24. Review status: criteria provided, single submitter. Criteria: LMM Criteria. Collection method: clinical testing. Allele origin: germline. Observed: 1 variant allele.
Comment: Glu111Glu in exon 3 of CASQ2: This variant is not expected to have clinical sign ificance because it does not alter an amino acid residue and is not located with in the splice consensus sequence. Glu111Glu in exon 3 of CASQ2 (allele frequen cy = n/a)